The following is an entry in ClinVar:

ClinVar aggregate classification (germline): Benign/Likely benign. Review status: criteria provided, multiple submitters, no conflicts (2 of 4 stars). 13 submissions from 12 submitters: Benign (2); Likely benign (8). 3 of the submissions do not count toward it. Last evaluated 2026-04-01.

Conditions:
Connective tissue disorder. Also called: Connective tissue disease. Identifiers: MedGen C0009782, MONDO:0003900.
HSPG2-related disorder. Also called: HSPG2-related condition; HSPG2-related disorders.
Schwartz-Jampel syndrome. Also called: Myotonic myopathy dwarfism chondrodystrophy and ocular and facial abnormalities. Identifiers: Orphanet 800, MedGen C0036391, MONDO:0009717.
Lethal Kniest-like syndrome (DDSH). Also called: Dyssegmental Dysplasia. Identifiers: Orphanet 1865, MedGen C1857100, MONDO:0009140, OMIM 224410.

Allele frequency attached by ClinVar (database versions not stated): 1000 Genomes Project 0.00120; 1000 Genomes Project 30x 0.00172; TOPMed 0.00231; gnomAD 0.00243; ESP Exome Variant Server 0.00292.
gnomAD v4.1: 5,235 of 1,614,174 alleles (0.32%); highest among the groups gnomAD compares: Non-Finnish European, 0.41%; 11 homozygotes.

Submissions (13):

CeGaT Center for Human Genetics Tuebingen
Classification: Likely benign. Last evaluated: 2026-04-01. Review status: criteria provided, single submitter. Criteria: CeGaT Center For Human Genetics Tuebingen Variant Classification Criteria Version 2. Collection method: clinical testing. Allele origin: germline. Affected: yes. Observed: 7 variant alleles.
Comment: HSPG2: BP4, BP7

Labcorp Genetics (formerly Invitae), Labcorp
Classification: Benign. Last evaluated: 2026-01-26. Review status: criteria provided, single submitter. Criteria: Invitae Variant Classification Sherloc (09022015). Collection method: clinical testing. Allele origin: germline.

Athena Diagnostics
Classification: Benign. Last evaluated: 2025-05-28. Review status: criteria provided, single submitter. Criteria: Athena Diagnostics Criteria. Collection method: clinical testing. Allele origin: unknown.
Comment: The frequency of this variant in the general population is higher than would generally be expected for pathogenic variants in this gene. Computational tools yielded predictions that this variant is unlikely to have an effect on normal RNA splicing. This nucleotide position exhibits low evolutionary conservation.

Blueprint Genetics
Classification: Likely benign. Last evaluated: 2024-11-26. Review status: criteria provided, single submitter. Criteria: ACMG Guidelines, 2015. Collection method: clinical testing. Allele origin: germline.

ARUP Laboratories, Molecular Genetics and Genomics, ARUP Laboratories
Classification: Likely benign. Last evaluated: 2023-10-06. Review status: criteria provided, single submitter. Criteria: ARUP Molecular Germline Variant Investigation Process 2024. Collection method: clinical testing. Allele origin: germline.

Genome Diagnostics Laboratory, The Hospital for Sick Children
Classification: Likely benign for Connective tissue disorder. Last evaluated: 2020-02-01. Review status: criteria provided, single submitter. Criteria: ACMG Guidelines, 2015. Collection method: clinical testing. Allele origin: germline.

Illumina Laboratory Services, Illumina
Classification: Likely benign for Schwartz-Jampel syndrome type 1. Last evaluated: 2018-01-13. Review status: criteria provided, single submitter. Criteria: ICSL Variant Classification Criteria 13 December 2019. Collection method: clinical testing. Allele origin: germline.
Comment: This variant was observed in the ICSL laboratory as part of a predisposition screen in an ostensibly healthy population. It had not been previously curated by ICSL or reported in the Human Gene Mutation Database (HGMD: prior to June 1st, 2018), and was therefore a candidate for classification through an automated scoring system. Utilizing variant allele frequency, disease prevalence and penetrance estimates, and inheritance mode, an automated score was calculated to assess if this variant is too frequent to cause the disease. Based on the score and internal cut-off values, a variant classified as likely benign is not then subjected to further curation. The score for this variant resulted in a classification of likely benign for this disease.

Illumina Laboratory Services, Illumina
Classification: Likely benign for Lethal Kniest-like syndrome. Last evaluated: 2018-01-13. Review status: criteria provided, single submitter. Criteria: ICSL Variant Classification Criteria 13 December 2019. Collection method: clinical testing. Allele origin: germline.
Comment: the same text as in the submission from Illumina Laboratory Services, Illumina above.

Eurofins Ntd Llc (ga)
Classification: Likely benign. Last evaluated: 2017-04-25. Review status: criteria provided, single submitter. Criteria: EGL Classification Definitions 2015. Collection method: clinical testing. Allele origin: germline. Observed: 1 variant allele, 1 heterozygote.

Breakthrough Genomics
Classification: Likely benign. Review status: criteria provided, single submitter. Criteria: ACMG Guidelines, 2015. Collection method: not provided. Allele origin: germline. Inheritance: Autosomal recessive inheritance. Affected: yes.

PreventionGenetics, part of Exact Sciences
Classification: Likely benign for HSPG2-related condition. Last evaluated: 2019-06-13. Review status: no assertion criteria provided. Collection method: clinical testing. Allele origin: germline. Not counted in ClinVar's aggregate classification.
Comment: This variant is classified as likely benign based on ACMG/AMP sequence variant interpretation guidelines (Richards et al. 2015 PMID: 25741868, with internal and published modifications).

Clinical Genetics DNA and cytogenetics Diagnostics Lab, Erasmus MC, Erasmus Medical Center
Classification: Likely benign. Review status: no assertion criteria provided. Collection method: clinical testing. Allele origin: germline. Affected: yes. Study: VKGL Data-share Consensus. Not counted in ClinVar's aggregate classification.

Genome Diagnostics Laboratory, University Medical Center Utrecht
Classification: Likely benign. Review status: no assertion criteria provided. Collection method: clinical testing. Allele origin: germline. Affected: yes. Study: VKGL Data-share Consensus. Not counted in ClinVar's aggregate classification.

NM_005529.7(HSPG2):c.10677C>T (p.Asn3559=)

Gene: HSPG2 (heparan sulfate proteoglycan 2; minus strand). Cytogenetic location: 1p36.12.
Variant type: single nucleotide variant.
Coding change: c.10677C>T on transcript NM_005529.7 (MANE Select); coding-DNA position 10677, C replaced by T.
Protein change: p.Asn3559=; no amino-acid change (asparagine 3559 retained).
Molecular consequence: synonymous variant.
Genome position (GRCh38, 1-based): chr1:21,834,722, G>A on the plus strand (C>T on the coding strand, the complement: HSPG2 is on the minus strand). VCF-style: chr1-21834722-G-A. GRCh37 (hg19) VCF-style: chr1-22161215-G-A.
Other names: c.10680C>T, p.Asn3560= (NM_001291860.2).
Identifiers: ClinVar variation 295731 (VCV000295731.57), dbSNP rs138049720, ClinGen allele CA670052.